The following is an entry in ClinVar:

NM_014629.4(ARHGEF10):c.1906A>T (p.Thr636Ser)

Gene: ARHGEF10 (Rho guanine nucleotide exchange factor 10; plus strand). Cytogenetic location: 8p23.3.
Variant type: single nucleotide variant.
Coding change: c.1906A>T on transcript NM_014629.4 (MANE Select); coding-DNA position 1906, A replaced by T.
Protein change: p.Thr636Ser; replaces threonine 636 with serine.
Molecular consequence: missense variant.
Genome position (GRCh38, 1-based): chr8:1,905,655, A>T. VCF-style: chr8-1905655-A-T. GRCh37 (hg19) VCF-style: chr8-1853821-A-T.
Other names: c.1792A>T, p.Thr598Ser (NM_001308152.2); c.1906A>T, p.Thr636Ser (NM_001308153.3); short protein forms T598S, T636S, T660S.
Identifiers: ClinVar variation 3608551 (VCV003608551.2).
Genomic context (GRCh38, chr8:1,905,655, plus strand): 5'-CTCATTCGATCAGATGATATGATAGAAACAGTTTACAACGACAGAGGAGAGATTGTTAAA[A>T]CCAAAGAACGCCGAGTCTTCATGTTAAATGATGTGTTAATGTGTGCCACCGTCAGCTCAC-3'
Protein context (NP_055444.2, residues 626-646): VYNDRGEIVK[Thr636Ser]KERRVFMLND

ClinVar aggregate classification (germline): Uncertain significance (1 of 4 stars; one submission).

gnomAD v4.1: 53 of 1,614,094 alleles (0.0033%); highest among the groups gnomAD compares: Admixed American, 0.018%; no homozygotes.

Submission:

Labcorp Genetics (formerly Invitae), Labcorp
Classification: Uncertain significance. Last evaluated: 2025-08-16. Review status: criteria provided, single submitter. Criteria: Invitae Variant Classification Sherloc (09022015). Collection method: clinical testing. Allele origin: germline.
Comment: This sequence change replaces threonine, which is neutral and polar, with serine, which is neutral and polar, at codon 636 of the ARHGEF10 protein (p.Thr636Ser). This variant is present in population databases (rs202029161, gnomAD 0.01%). This variant has not been reported in the literature in individuals affected with ARHGEF10-related conditions. ClinVar contains an entry for this variant (Variation ID: 3608551). An algorithm developed to predict the effect of missense changes on protein structure and function (PolyPhen-2) suggests that this variant is likely to be disruptive. In summary, the available evidence is currently insufficient to determine the role of this variant in disease. Therefore, it has been classified as a Variant of Uncertain Significance.